The following is an entry in ClinVar:

NM_015346.4(ZFYVE26):c.7178G>A (p.Arg2393His)

Gene: ZFYVE26 (zinc finger FYVE-type containing 26; minus strand). Cytogenetic location: 14q24.1.
Variant type: single nucleotide variant.
Coding change: c.7178G>A on transcript NM_015346.4 (MANE Select); coding-DNA position 7178, G replaced by A.
Protein change: p.Arg2393His; replaces arginine 2393 with histidine.
Molecular consequence: missense variant.
Genome position (GRCh38, 1-based): chr14:67,753,717, C>T on the plus strand (G>A on the coding strand, the complement: ZFYVE26 is on the minus strand). VCF-style: chr14-67753717-C-T. GRCh37 (hg19) VCF-style: chr14-68220434-C-T.
Other names: c.7178G>A (NM_015346.3); short protein forms R2393H.
Identifiers: ClinVar variation 2084492 (VCV002084492.2), dbSNP rs781771080, ClinGen allele CA7239044.

ClinVar aggregate classification (germline): Uncertain significance. Review status: criteria provided, multiple submitters, no conflicts (2 of 4 stars). 2 submissions from 2 submitters: Uncertain significance (2). Last evaluated 2026-02-25.

Conditions:
Spastic paraplegia. Identifiers: MedGen C0037772, HP:0001258.

Allele frequency attached by ClinVar (database versions not stated): gnomAD 0.00001; ExAC 0.00003.
gnomAD v4.1: 18 of 1,613,454 alleles (0.0011%); highest among the groups gnomAD compares: Admixed American, 0.0067%; no homozygotes.

Submissions (2):

GeneDx
Classification: Uncertain significance. Last evaluated: 2026-02-25. Review status: criteria provided, single submitter. Criteria: GeneDx Variant Classification Process June 2021. Collection method: clinical testing. Allele origin: germline.
Comment: Not observed at significant frequency in large population cohorts (gnomAD); In silico analysis supports that this missense variant has a deleterious effect on protein structure/function; Has not been previously published as pathogenic or benign to our knowledge

Labcorp Genetics (formerly Invitae), Labcorp
Classification: Uncertain significance for Spastic paraplegia. Last evaluated: 2022-05-17. Review status: criteria provided, single submitter. Criteria: Invitae Variant Classification Sherloc (09022015). Collection method: clinical testing. Allele origin: germline.
Comment: This sequence change replaces arginine, which is basic and polar, with histidine, which is basic and polar, at codon 2393 of the ZFYVE26 protein (p.Arg2393His). The frequency data for this variant in the population databases is considered unreliable, as metrics indicate poor data quality at this position in the gnomAD database. This variant has not been reported in the literature in individuals affected with ZFYVE26-related conditions. Algorithms developed to predict the effect of missense changes on protein structure and function are either unavailable or do not agree on the potential impact of this missense change (SIFT: "Tolerated"; PolyPhen-2: "Probably Damaging"; Align-GVGD: "Class C0"). In summary, the available evidence is currently insufficient to determine the role of this variant in disease. Therefore, it has been classified as a Variant of Uncertain Significance.